The following is an entry in ClinVar:

NM_001080421.3(UNC13A):c.2473-324T>G

Gene: UNC13A (unc-13 homolog A; minus strand). Cytogenetic location: 19p13.11.
Variant type: single nucleotide variant.
Coding change: c.2473-324T>G on transcript NM_001080421.3 (MANE Select); 324 bases into the intron before coding-DNA position 2473, T replaced by G.
Molecular consequence: intron variant.
Genome position (GRCh38, 1-based): chr19:17,641,880, A>C on the plus strand (T>G on the coding strand, the complement: UNC13A is on the minus strand). VCF-style: chr19-17641880-A-C. GRCh37 (hg19) VCF-style: chr19-17752689-A-C.
Other names: c.2467-324T>G (NM_001387022.1, NM_001387023.1, NM_001387021.1).
Identifiers: ClinVar variation 4982955 (VCV004982955.1).

ClinVar aggregate classification (germline): Likely benign (1 of 4 stars; one submission).

Conditions:
UNC13A-related disorder. Also called: UNC13A-related condition.

gnomAD v4.1: 55,290 of 151,542 alleles (36%); highest among the groups gnomAD compares: East Asian, 69%; 10,546 homozygotes.

Submission:

PreventionGenetics, part of Exact Sciences
Classification: Likely benign for UNC13A-related condition. Last evaluated: 2025-02-28. Review status: criteria provided, single submitter. Criteria: ACMG Guidelines, 2015. Collection method: clinical testing. Allele origin: germline.
Comment: This variant is classified as likely benign based on ACMG/AMP sequence variant interpretation guidelines (Richards et al. 2015 PMID: 25741868, with internal and published modifications).